The following is an entry in ClinVar:

NM_005138.3(SCO2):c.516C>T (p.Asp172=)

Genes: NCAPH2 (non-SMC condensin II complex subunit H2; plus strand), SCO2 (synthesis of cytochrome C oxidase 2; minus strand). Cytogenetic location: 22q13.33.
Variant type: single nucleotide variant.
Coding change: c.516C>T on transcript NM_005138.3 (MANE Select); coding-DNA position 516, C replaced by T.
Protein change: p.Asp172=; no amino-acid change (aspartic acid 172 retained).
Molecular consequence: synonymous variant. On other transcripts: 3 prime UTR variant (2).
Genome position (GRCh38, 1-based): chr22:50,523,896, G>A on the plus strand (C>T on the coding strand, the complement: SCO2 is on the minus strand). VCF-style: chr22-50523896-G-A. GRCh37 (hg19) VCF-style: chr22-50962325-G-A.
Other names: c.*521G>A (NM_001185011.2, NM_152299.4); c.516C>T, p.Asp172= (NM_001169109.2, NM_001169110.1, NM_001169111.2); c.516C>T (NM_005138.2).
Identifiers: ClinVar variation 1541043 (VCV001541043.32), dbSNP rs759399979, ClinGen allele CA10321183.

ClinVar aggregate classification (germline): Likely benign. Review status: criteria provided, multiple submitters, no conflicts (2 of 4 stars). 3 submissions from 3 submitters: Likely benign (3). Last evaluated 2026-01-09.

Conditions:
SCO2-related disorder. Also called: SCO2-related condition.

Allele frequency attached by ClinVar (database versions not stated): gnomAD 0.00003 and 0.00004; gnomAD exomes 0.00004 and 0.00014; TOPMed 0.00009; ExAC 0.00014; 1000 Genomes Project 30x 0.00031.
gnomAD v4.1: 64 of 1,613,820 alleles (0.004%); highest among the groups gnomAD compares: East Asian, 0.042%; no homozygotes.

Submissions (3):

Labcorp Genetics (formerly Invitae), Labcorp
Classification: Likely benign. Last evaluated: 2026-01-09. Review status: criteria provided, single submitter. Criteria: Invitae Variant Classification Sherloc (09022015). Collection method: clinical testing. Allele origin: germline.

PreventionGenetics, part of Exact Sciences
Classification: Likely benign for SCO2-related condition. Last evaluated: 2024-10-12. Review status: criteria provided, single submitter. Criteria: ACMG Guidelines, 2015. Collection method: clinical testing. Allele origin: germline.
Comment: This variant is classified as likely benign based on ACMG/AMP sequence variant interpretation guidelines (Richards et al. 2015 PMID: 25741868, with internal and published modifications).

CeGaT Center for Human Genetics Tuebingen
Classification: Likely benign. Last evaluated: 2023-09-01. Review status: criteria provided, single submitter. Criteria: CeGaT Center For Human Genetics Tuebingen Variant Classification Criteria Version 2. Collection method: clinical testing. Allele origin: germline. Affected: yes. Observed: 1 variant allele.
Comment: SCO2: BP4, BP7